The following is an entry in ClinVar:

NM_013403.3(STRN4):c.1894C>T (p.Arg632Trp)

Gene: STRN4 (striatin 4; minus strand). Cytogenetic location: 19q13.32.
Variant type: single nucleotide variant.
Coding change: c.1894C>T on transcript NM_013403.3 (MANE Select); coding-DNA position 1894, C replaced by T.
Protein change: p.Arg632Trp; replaces arginine 632 with tryptophan.
Molecular consequence: missense variant.
Genome position (GRCh38, 1-based): chr19:46,722,822, G>A on the plus strand (C>T on the coding strand, the complement: STRN4 is on the minus strand). VCF-style: chr19-46722822-G-A. GRCh37 (hg19) VCF-style: chr19-47226079-G-A.
Other names: c.1915C>T, p.Arg639Trp (NM_001039877.2); short protein forms R639W, R632W.
Identifiers: ClinVar variation 3171673 (VCV003171673.2), dbSNP rs961402749, ClinGen allele CA309075425.

ClinVar aggregate classification (germline): Uncertain significance (1 of 4 stars; one submission).

Allele frequency attached by ClinVar (database versions not stated): gnomAD 0.00002; gnomAD exomes 0.00002; TOPMed 0.00002.
gnomAD v4.1: 26 of 1,613,706 alleles (0.0016%); highest among the groups gnomAD compares: African/African-American, 0.004%; no homozygotes.

Submission:

Ambry Genetics
Classification: Uncertain significance. Last evaluated: 2026-06-24. Review status: criteria provided, single submitter. Criteria: Ambry Variant Classification Scheme 2023. Collection method: clinical testing. Allele origin: germline.
Comment: The c.1915C>T (p.R639W) alteration is located in exon 14 (coding exon 14) of the STRN4 gene. This alteration results from a C to T substitution at nucleotide position 1915, causing the arginine (R) at amino acid position 639 to be replaced by a tryptophan (W). Based on data from gnomAD, the T allele has an overall frequency of 0.003% (1/31392) total alleles studied. The highest observed frequency was <0.001% (/) of alleles. Based on insufficient or conflicting evidence, the clinical significance of this alteration remains unclear.